The following is an entry in ClinVar:

NM_003748.4(ALDH4A1):c.43C>G (p.Arg15Gly)

Genes: ALDH4A1 (aldehyde dehydrogenase 4 family member A1; minus strand), LOC129929550 (ATAC-STARR-seq lymphoblastoid silent region 346; plus strand). Cytogenetic location: 1p36.13.
Variant type: single nucleotide variant.
Coding change: c.43C>G on transcript NM_003748.4 (MANE Select); coding-DNA position 43, C replaced by G.
Protein change: p.Arg15Gly; replaces arginine 15 with glycine.
Molecular consequence: missense variant.
Genome position (GRCh38, 1-based): chr1:18,902,481, G>C on the plus strand (C>G on the coding strand, the complement: ALDH4A1 is on the minus strand). VCF-style: chr1-18902481-G-C. GRCh37 (hg19) VCF-style: chr1-19228975-G-C.
Other names: c.43C>G, p.Arg15Gly (NM_001319218.2, NM_170726.3); short protein forms R15G.
Identifiers: ClinVar variation 1399400 (VCV001399400.8), dbSNP rs2100625391, ClinGen allele CA338769746.

ClinVar aggregate classification (germline): Uncertain significance (1 of 4 stars; one submission).

Conditions:
Hyperprolinemia type 2 (HYRPRO2). Also called: Deficiency of pyrroline-5-carboxylate reductase; Delta-1-pyrroline-5-carboxylate dehydrogenase deficiency; 1-PYRROLINE-5-CARBOXYLATE DEHYDROGENASE DEFICIENCY. Identifiers: Orphanet 79101, MedGen C2931835, MONDO:0009401, OMIM 239510.

Submission:

Labcorp Genetics (formerly Invitae), Labcorp
Classification: Uncertain significance for Hyperprolinemia type 2. Last evaluated: 2021-02-08. Review status: criteria provided, single submitter. Criteria: Invitae Variant Classification Sherloc (09022015). Collection method: clinical testing. Allele origin: germline.
Comment: In summary, the available evidence is currently insufficient to determine the role of this variant in disease. Therefore, it has been classified as a Variant of Uncertain Significance. Algorithms developed to predict the effect of missense changes on protein structure and function are either unavailable or do not agree on the potential impact of this missense change (SIFT: "Tolerated"; PolyPhen-2: "Not Available"; Align-GVGD: "Class C0"). This variant has not been reported in the literature in individuals with ALDH4A1-related conditions. The frequency data for this variant in the population databases is considered unreliable, as metrics indicate insufficient coverage at this position in the ExAC database. This sequence change replaces arginine with glycine at codon 15 of the ALDH4A1 protein (p.Arg15Gly). The arginine residue is weakly conserved and there is a moderate physicochemical difference between arginine and glycine.